The following is an entry in ClinVar:

NM_031935.3(HMCN1):c.16494dup (p.Ile5499fs)

Genes: HMCN1 (hemicentin 1; plus strand), LOC126805953 (P300/CBP strongly-dependent group 1 enhancer GRCh37_chr1:186156636-186157835; plus strand). Cytogenetic location: 1q31.1.
Variant type: Duplication.
Coding change: c.16494dup on transcript NM_031935.3 (MANE Select); coding-DNA position 16494, one base duplicated (C; older notation c.16494dupC).
Protein change: p.Ile5499fs; shifts the reading frame from isoleucine 5499.
Molecular consequence: frameshift variant.
Genome position (GRCh38, 1-based): chr1:186,187,962, C duplicated. VCF-style (leftmost placement, unchanged base first): chr1-186187961-G-GC. GRCh37 (hg19) VCF-style: chr1-186157093-G-GC.
Other names: short protein forms I5499fs.
Identifiers: ClinVar variation 2006648 (VCV002006648.4), dbSNP rs2528299118, ClinGen allele CA2580061702.

ClinVar aggregate classification (germline): Uncertain significance (1 of 4 stars; one submission).

Submission:

Labcorp Genetics (formerly Invitae), Labcorp
Classification: Uncertain significance. Last evaluated: 2022-06-14. Review status: criteria provided, single submitter. Criteria: Invitae Variant Classification Sherloc (09022015). Collection method: clinical testing. Allele origin: germline.
Comment: Experimental studies and prediction algorithms are not available or were not evaluated, and the functional significance of this variant is currently unknown. In summary, the available evidence is currently insufficient to determine the role of this variant in disease. Therefore, it has been classified as a Variant of Uncertain Significance. This variant has not been reported in the literature in individuals affected with HMCN1-related conditions. This variant is not present in population databases (gnomAD no frequency). This sequence change creates a premature translational stop signal (p.Ile5499Hisfs*26) in the HMCN1 gene. While this is not anticipated to result in nonsense mediated decay, it is expected to disrupt the last 137 amino acid(s) of the HMCN1 protein.